The following is an entry in ClinVar:

ClinVar aggregate classification (germline): Benign. Review status: criteria provided, multiple submitters, no conflicts (2 of 4 stars). 3 submissions from 3 submitters: Benign (3). Last evaluated 2021-12-05.

Conditions:
Long QT syndrome 11 (LQT11). Identifiers: Orphanet 101016, Orphanet 768, MedGen C2678483, MONDO:0012738, OMIM 611820.

Allele frequency attached by ClinVar (database versions not stated): 1000 Genomes Project 0.37380; 1000 Genomes Project 30x 0.37711; gnomAD 0.41644 and 0.42068; TOPMed 0.41722.
gnomAD v4.1: 539,708 of 1,382,880 alleles (39%); highest among the groups gnomAD compares: African/African-American, 52%; 107,690 homozygotes.

Submissions (3):

Genome-Nilou Lab
Classification: Benign for Long QT syndrome 11. Last evaluated: 2021-12-05. Review status: criteria provided, single submitter. Criteria: ACMG Guidelines, 2015. Collection method: clinical testing. Allele origin: germline. Affected: no.

GeneDx
Classification: Benign. Last evaluated: 2018-06-14. Review status: criteria provided, single submitter. Criteria: GeneDx Variant Classification (06012015). Collection method: clinical testing. Allele origin: germline. Affected: yes.
Comment: This variant is considered likely benign or benign based on one or more of the following criteria: it is a conservative change, it occurs at a poorly conserved position in the protein, it is predicted to be benign by multiple in silico algorithms, and/or has population frequency not consistent with disease.

Breakthrough Genomics
Classification: Benign. Review status: criteria provided, single submitter. Criteria: ACMG Guidelines, 2015. Collection method: not provided. Allele origin: germline. Inheritance: Autosomal dominant inheritance. Affected: yes.

NM_005751.5(AKAP9):c.4149-59C>G

Gene: AKAP9 (A-kinase anchoring protein 9; plus strand). Cytogenetic location: 7q21.2.
Variant type: single nucleotide variant.
Coding change: c.4149-59C>G on transcript NM_005751.5 (MANE Select); 59 bases into the intron before coding-DNA position 4149, C replaced by G.
Molecular consequence: intron variant.
Genome position (GRCh38, 1-based): chr7:92,029,836, C>G. VCF-style: chr7-92029836-C-G. GRCh37 (hg19) VCF-style: chr7-91659150-C-G.
Other names: c.4149-59C>G (NM_147185.3).
Identifiers: ClinVar variation 671867 (VCV000671867.3), dbSNP rs17164315, ClinGen allele CA12593013.
Genomic context (GRCh38, chr7:92,029,836, plus strand): 5'-CCTAGACTCATTTTTGTCTCCCATGCCCCAGTACACATTTTATGTGTGGTGTAGATTTTG[C>G]ATGAACACTAAAGCACATATACAACTCTAATTCTTTAACCTTTTTTATTTATATTCAGCT-3'